The following is an entry in ClinVar:

NM_014946.4(SPAST):c.194G>A (p.Arg65His)

Gene: SPAST (spastin; plus strand). Cytogenetic location: 2p22.3.
Variant type: single nucleotide variant.
Coding change: c.194G>A on transcript NM_014946.4 (MANE Select); coding-DNA position 194, G replaced by A.
Protein change: p.Arg65His; replaces arginine 65 with histidine.
Molecular consequence: missense variant.
Genome position (GRCh38, 1-based): chr2:32,064,025, G>A. VCF-style: chr2-32064025-G-A. GRCh37 (hg19) VCF-style: chr2-32289094-G-A.
Other names: c.194G>A, p.Arg65His (NM_001363823.2, NM_001363875.2, NM_001377959.1 and 1 more transcripts); short protein forms R65H.
Identifiers: ClinVar variation 2497977 (VCV002497977.1), dbSNP rs757145918, ClinGen allele CA346601642.

ClinVar aggregate classification (germline): Uncertain significance (1 of 4 stars; one submission).

gnomAD v4.1: 3 of 1,613,426 alleles (0.00019%); highest among the groups gnomAD compares: South Asian, 0.0011%; no homozygotes.

Submission:

GeneDx
Classification: Uncertain significance. Last evaluated: 2022-10-07. Review status: criteria provided, single submitter. Criteria: GeneDx Variant Classification Process June 2021. Collection method: clinical testing. Allele origin: germline. Affected: yes.
Comment: Identified in a patient with ALS who also harbors a homozygous deletion of the SMN2 gene (Tremolizzo et al., 2014); In silico analysis supports that this missense variant has a deleterious effect on protein structure/function; Not observed at significant frequency in large population cohorts (gnomAD); This variant is associated with the following publications: (PMID: 25143843, 35714755)